The following is an entry in ClinVar:

ClinVar aggregate classification (germline): Uncertain significance. Review status: criteria provided, single submitter (1 of 4 stars). 2 submissions from 2 submitters: Uncertain significance (1). 1 of the submissions does not count toward it. Last evaluated 2023-01-20.

Conditions:
PHIP-related disorder. Also called: PHIP-related condition; PHIP-related disorders.

Allele frequency attached by ClinVar (database versions not stated): gnomAD 0.00001.
gnomAD v4.1: 1 of 1,590,698 alleles (0.000063%); highest among the groups gnomAD compares: Non-Finnish European, 0.000085%; no homozygotes.

Submissions (2):

Labcorp Genetics (formerly Invitae), Labcorp
Classification: Uncertain significance. Last evaluated: 2023-01-20. Review status: criteria provided, single submitter. Criteria: Invitae Variant Classification Sherloc (09022015). Collection method: clinical testing. Allele origin: germline.
Comment: This sequence change replaces threonine, which is neutral and polar, with serine, which is neutral and polar, at codon 200 of the PHIP protein (p.Thr200Ser). This variant is present in population databases (no rsID available, gnomAD 0.007%). This variant has not been reported in the literature in individuals affected with PHIP-related conditions. Experimental studies and prediction algorithms are not available or were not evaluated, and the functional significance of this variant is currently unknown. In summary, the available evidence is currently insufficient to determine the role of this variant in disease. Therefore, it has been classified as a Variant of Uncertain Significance.

PreventionGenetics, part of Exact Sciences
Classification: Uncertain significance for PHIP-related condition. Last evaluated: 2024-01-03. Review status: no assertion criteria provided. Collection method: clinical testing. Allele origin: germline. Not counted in ClinVar's aggregate classification.
Comment: The PHIP c.599C>G variant is predicted to result in the amino acid substitution p.Thr200Ser. To our knowledge, this variant has not been reported in the literature. This variant is reported in 0.0065% of alleles in individuals of European (Non-Finnish) descent in gnomAD. At this time, the clinical significance of this variant is uncertain due to the absence of conclusive functional and genetic evidence.

NM_017934.7(PHIP):c.599C>G (p.Thr200Ser)

Gene: PHIP (PHIP subunit of CUL4-Ring ligase complex; minus strand). Cytogenetic location: 6q14.1.
Variant type: single nucleotide variant.
Coding change: c.599C>G on transcript NM_017934.7 (MANE Select); coding-DNA position 599, C replaced by G.
Protein change: p.Thr200Ser; replaces threonine 200 with serine.
Molecular consequence: missense variant.
Genome position (GRCh38, 1-based): chr6:79,042,844, G>C on the plus strand (C>G on the coding strand, the complement: PHIP is on the minus strand). VCF-style: chr6-79042844-G-C. GRCh37 (hg19) VCF-style: chr6-79752561-G-C.
Other names: c.599C>G (NM_017934.6); short protein forms T200S.
Identifiers: ClinVar variation 2830568 (VCV002830568.4), dbSNP rs1241486744, ClinGen allele CA364642883.